The following is an entry in ClinVar:

ClinVar aggregate classification (germline): Uncertain significance (1 of 4 stars; one submission).

Conditions:
3-methylcrotonyl-CoA carboxylase 2 deficiency. Also called: 3 alpha methylcrotonyl-CoA carboxylase 2 deficiency; 3 alpha methylcrotonylglycinuria 2; MCC 2 deficiency; Methylcrotonylglycinuria type 2; METHYLCROTONYLGLYCINURIA, TYPE II. Identifiers: Orphanet 6, MedGen C1859499, MONDO:0008862, OMIM 210210.

Allele frequency attached by ClinVar (database versions not stated): gnomAD exomes 0.00003 and 0.00008; gnomAD 0.00004 and 0.00005; TOPMed 0.00005; ExAC 0.00015.

Submission:

Labcorp Genetics (formerly Invitae), Labcorp
Classification: Uncertain significance for 3-methylcrotonyl-CoA carboxylase 2 deficiency. Last evaluated: 2024-01-19. Review status: criteria provided, single submitter. Criteria: Invitae Variant Classification Sherloc (09022015). Collection method: clinical testing. Allele origin: germline.
Comment: This sequence change replaces valine, which is neutral and non-polar, with isoleucine, which is neutral and non-polar, at codon 140 of the MCCC2 protein (p.Val140Ile). This variant is present in population databases (rs553444289, gnomAD 0.02%). This variant has not been reported in the literature in individuals affected with MCCC2-related conditions. ClinVar contains an entry for this variant (Variation ID: 1466540). Advanced modeling of protein sequence and biophysical properties (such as structural, functional, and spatial information, amino acid conservation, physicochemical variation, residue mobility, and thermodynamic stability) performed at Invitae indicates that this missense variant is not expected to disrupt MCCC2 protein function with a negative predictive value of 80%. In summary, the available evidence is currently insufficient to determine the role of this variant in disease. Therefore, it has been classified as a Variant of Uncertain Significance.

NM_022132.5(MCCC2):c.418G>A (p.Val140Ile)

Gene: MCCC2 (methylcrotonyl-CoA carboxylase subunit 2; plus strand). Cytogenetic location: 5q13.2.
Variant type: single nucleotide variant.
Coding change: c.418G>A on transcript NM_022132.5 (MANE Select); coding-DNA position 418, G replaced by A.
Protein change: p.Val140Ile; replaces valine 140 with isoleucine.
Molecular consequence: missense variant.
Genome position (GRCh38, 1-based): chr5:71,602,540, G>A. VCF-style: chr5-71602540-G-A. GRCh37 (hg19) VCF-style: chr5-70898367-G-A.
Other names: c.418G>A, p.Val140Ile (NM_001363147.1); short protein forms V140I.
Identifiers: ClinVar variation 1466540 (VCV001466540.6), dbSNP rs553444289, ClinGen allele CA3297775.